The following is an entry in ClinVar:

NM_000231.3(SGCG):c.619A>G (p.Arg207Gly)

Gene: SGCG (sarcoglycan gamma; plus strand). Cytogenetic location: 13q12.12.
Variant type: single nucleotide variant.
Coding change: c.619A>G on transcript NM_000231.3 (MANE Select); coding-DNA position 619, A replaced by G.
Protein change: p.Arg207Gly; replaces arginine 207 with glycine.
Molecular consequence: missense variant.
Genome position (GRCh38, 1-based): chr13:23,320,677, A>G. VCF-style: chr13-23320677-A-G. GRCh37 (hg19) VCF-style: chr13-23894816-A-G.
Other names: c.673A>G, p.Arg225Gly (NM_001378244.1); c.619A>G, p.Arg207Gly (NM_001378245.1, NM_001378246.1); short protein forms R207G, R225G.
Identifiers: ClinVar variation 851416 (VCV000851416.8), dbSNP rs1883003177, ClinGen allele CA387502593.
Genomic context (GRCh38, chr13:23,320,677, plus strand): 5'-GCTTCTTTTCCTCATCTCAGATTAGAATCCCCCACTCGGAGTCTAAGCATGGATGCCCCA[A>G]GGGGTGTGCATATTCAAGCTCACGCTGGGAAAATTGAGGCGCTTTCTCAAATGGATATTC-3'
Protein context (NP_000222.2, residues 197-217): PTRSLSMDAP[Arg207Gly]GVHIQAHAGK

ClinVar aggregate classification (germline): Uncertain significance (1 of 4 stars; one submission).

Conditions:
Autosomal recessive limb-girdle muscular dystrophy type 2C (LGMDR5). Also called: MUSCULAR DYSTROPHY, LIMB-GIRDLE, AUTOSOMAL RECESSIVE 5; MUSCULAR DYSTROPHY, DUCHENNE-LIKE. Identifiers: Orphanet 353, MedGen C0410173, MONDO:0009677, OMIM 253700. Disease mechanism: Affects gamma-sarcoglycan and also disrupts the integrity of the entire sarcoglycan complex..

Submission:

Labcorp Genetics (formerly Invitae), Labcorp
Classification: Uncertain significance for Autosomal recessive limb-girdle muscular dystrophy type 2C. Last evaluated: 2021-11-30. Review status: criteria provided, single submitter. Criteria: Invitae Variant Classification Sherloc (09022015). Collection method: clinical testing. Allele origin: germline.
Comment: This variant has not been reported in the literature in individuals affected with SGCG-related conditions. In summary, the available evidence is currently insufficient to determine the role of this variant in disease. Therefore, it has been classified as a Variant of Uncertain Significance. Algorithms developed to predict the effect of sequence changes on RNA splicing suggest that this variant may create or strengthen a splice site. Algorithms developed to predict the effect of missense changes on protein structure and function are either unavailable or do not agree on the potential impact of this missense change (SIFT: "Deleterious"; PolyPhen-2: "Benign"; Align-GVGD: "Class C15"). ClinVar contains an entry for this variant (Variation ID: 851416). This variant is not present in population databases (gnomAD no frequency). This sequence change replaces arginine, which is basic and polar, with glycine, which is neutral and non-polar, at codon 207 of the SGCG protein (p.Arg207Gly).